The following is an entry in ClinVar:

ClinVar aggregate classification (germline): Uncertain significance (1 of 4 stars; one submission).

Submission:

Labcorp Genetics (formerly Invitae), Labcorp
Classification: Uncertain significance. Last evaluated: 2022-09-27. Review status: criteria provided, single submitter. Criteria: Invitae Variant Classification Sherloc (09022015). Collection method: clinical testing. Allele origin: germline.
Comment: In summary, the available evidence is currently insufficient to determine the role of this variant in disease. Therefore, it has been classified as a Variant of Uncertain Significance. Advanced modeling of protein sequence and biophysical properties (such as structural, functional, and spatial information, amino acid conservation, physicochemical variation, residue mobility, and thermodynamic stability) performed at Invitae indicates that this missense variant is not expected to disrupt PDE6B protein function. This variant has not been reported in the literature in individuals affected with PDE6B-related conditions. This variant is not present in population databases (gnomAD no frequency). This sequence change replaces valine, which is neutral and non-polar, with leucine, which is neutral and non-polar, at codon 456 of the PDE6B protein (p.Val456Leu).

NM_000283.4(PDE6B):c.1366G>T (p.Val456Leu)

Gene: PDE6B (phosphodiesterase 6B; plus strand). Cytogenetic location: 4p16.3.
Variant type: single nucleotide variant.
Coding change: c.1366G>T on transcript NM_000283.4 (MANE Select); coding-DNA position 1366, G replaced by T.
Protein change: p.Val456Leu; replaces valine 456 with leucine.
Molecular consequence: missense variant.
Genome position (GRCh38, 1-based): chr4:657,459, G>T. VCF-style: chr4-657459-G-T. GRCh37 (hg19) VCF-style: chr4-651248-G-T.
Other names: c.1366G>T, p.Val456Leu (NM_001145291.2); c.529G>T, p.Val177Leu (NM_001145292.2, NM_001350154.3, NM_001379246.1 and 1 more transcripts); c.211G>T, p.Val71Leu (NM_001350155.3); short protein forms V177L, V456L, V71L.
Identifiers: ClinVar variation 1713992 (VCV001713992.5), dbSNP rs376028657, ClinGen allele CA355914262.